The following is an entry in ClinVar:

NM_000069.3(CACNA1S):c.1780C>T (p.Arg594Cys)

Gene: CACNA1S (calcium voltage-gated channel subunit alpha1 S; minus strand). Cytogenetic location: 1q32.1.
Variant type: single nucleotide variant.
Coding change: c.1780C>T on transcript NM_000069.3 (MANE Select); coding-DNA position 1780, C replaced by T.
Protein change: p.Arg594Cys; replaces arginine 594 with cysteine.
Molecular consequence: missense variant.
Genome position (GRCh38, 1-based): chr1:201,076,967, G>A on the plus strand (C>T on the coding strand, the complement: CACNA1S is on the minus strand). VCF-style: chr1-201076967-G-A. GRCh37 (hg19) VCF-style: chr1-201046095-G-A.
Other names: p.Arg594Cys; short protein forms R594C.
Identifiers: ClinVar variation 294757 (VCV000294757.19), dbSNP rs200165212, ClinGen allele CA078564.

ClinVar aggregate classification (germline): Benign/Likely benign. Review status: criteria provided, multiple submitters, no conflicts (2 of 4 stars). 9 submissions from 6 submitters: Benign (7); Likely benign (2). Last evaluated 2026-01-21.

Conditions:
Malignant hyperthermia, susceptibility to, 5 (MHS5). Also called: CACNA1S-Related Malignant Hyperthermia Susceptibility. Identifiers: Orphanet 423, MedGen C1866077, MONDO:0011163, OMIM 601887.
Congenital myopathy 18. Also called: Myopathy, congenital, due to dihydropyridine receptor defect; DIHYDROPYRIDINE RECEPTOR CONGENITAL MYOPATHY; DHPR CONGENITAL MYOPATHY. Identifiers: MedGen C5830283, MONDO:0859514, OMIM 620246.
Hypokalemic periodic paralysis, type 1. Also called: Hypokalemic Periodic Paralysis Type 1 (AD); HypoPP. Identifiers: Orphanet 681, MedGen C3714580, MONDO:0042979, OMIM 170400.
Thyrotoxic periodic paralysis, susceptibility to, 1 (TTPP1). Identifiers: Orphanet 79102, MedGen C2749982, MONDO:0008570, OMIM 188580.

Allele frequency attached by ClinVar (database versions not stated): gnomAD 0.00007; TOPMed 0.00017; gnomAD exomes 0.00060; ExAC 0.00067.
gnomAD v4.1: 179 of 1,614,112 alleles (0.011%); highest among the groups gnomAD compares: Admixed American, 0.25%; 3 homozygotes.

Submissions (9):

Labcorp Genetics (formerly Invitae), Labcorp
Classification: Benign for Hypokalemic periodic paralysis, type 1; Malignant hyperthermia, susceptibility to, 5. Last evaluated: 2026-01-21. Review status: criteria provided, single submitter. Criteria: Invitae Variant Classification Sherloc (09022015). Collection method: clinical testing. Allele origin: germline.

Mayo Clinic Laboratories, Mayo Clinic
Classification: Benign. Last evaluated: 2025-03-18. Review status: criteria provided, single submitter. Criteria: ACMG Guidelines, 2015. Collection method: clinical testing. Allele origin: germline. Observed: 1 variant allele.
Comment: BS1, BS2, PP3_moderate

Genome-Nilou Lab
Classification: Benign for Malignant hyperthermia, susceptibility to, 5. Last evaluated: 2023-04-11. Review status: criteria provided, single submitter. Criteria: ACMG Guidelines, 2015. Collection method: clinical testing. Allele origin: germline. Affected: no.

Genome-Nilou Lab
Classification: Benign for Thyrotoxic periodic paralysis, susceptibility to, 1. Last evaluated: 2023-04-11. Review status: criteria provided, single submitter. Criteria: ACMG Guidelines, 2015. Collection method: clinical testing. Allele origin: germline. Affected: no.

Genome-Nilou Lab
Classification: Benign for Congenital myopathy 18. Last evaluated: 2023-04-11. Review status: criteria provided, single submitter. Criteria: ACMG Guidelines, 2015. Collection method: clinical testing. Allele origin: germline. Affected: no.

Genome-Nilou Lab
Classification: Benign for Hypokalemic periodic paralysis, type 1. Last evaluated: 2023-04-11. Review status: criteria provided, single submitter. Criteria: ACMG Guidelines, 2015. Collection method: clinical testing. Allele origin: germline. Affected: no.

Color Diagnostics, LLC DBA Color Health
Classification: Likely benign for Malignant hyperthermia, susceptibility to, 5. Last evaluated: 2022-09-20. Review status: criteria provided, single submitter. Criteria: ACMG Guidelines, 2015. Collection method: clinical testing. Allele origin: germline.

Blueprint Genetics
Classification: Likely benign. Last evaluated: 2020-06-11. Review status: criteria provided, single submitter. Criteria: ACMG Guidelines, 2015. Collection method: clinical testing. Allele origin: germline.

Illumina Laboratory Services, Illumina
Classification: Benign for Hypokalemic periodic paralysis, type 1. Last evaluated: 2018-01-12. Review status: criteria provided, single submitter. Criteria: ICSL Variant Classification Criteria 13 December 2019. Collection method: clinical testing. Allele origin: germline.
Comment: This variant was observed in the ICSL laboratory as part of a predisposition screen in an ostensibly healthy population. It had not been previously curated by ICSL or reported in the Human Gene Mutation Database (HGMD: prior to June 1st, 2018), and was therefore a candidate for classification through an automated scoring system. Utilizing variant allele frequency, disease prevalence and penetrance estimates, and inheritance mode, an automated score was calculated to assess if this variant is too frequent to cause the disease. Based on the score and internal cut-off values, a variant classified as benign is not then subjected to further curation. The score for this variant resulted in a classification of benign for this disease.